The following is an entry in ClinVar:

ClinVar aggregate classification (germline): Pathogenic/Likely pathogenic. Review status: criteria provided, multiple submitters, no conflicts (2 of 4 stars). 2 submissions from 2 submitters: Pathogenic (1); Likely pathogenic (1). Last evaluated 2023-12-09.

Conditions:
PHYH-related disorder. Also called: PHYH-related condition.

Allele frequency attached by ClinVar (database versions not stated): gnomAD exomes below 0.00001; gnomAD 0.00001.
gnomAD v4.1: 3 of 1,613,840 alleles (0.00019%); highest among the groups gnomAD compares: African/African-American, 0.0013%; no homozygotes.

Submissions (2):

Labcorp Genetics (formerly Invitae), Labcorp
Classification: Pathogenic. Last evaluated: 2023-12-09. Review status: criteria provided, single submitter. Criteria: Invitae Variant Classification Sherloc (09022015). Collection method: clinical testing. Allele origin: germline.
Comment: This sequence change creates a premature translational stop signal (p.Gln237*) in the PHYH gene. It is expected to result in an absent or disrupted protein product. Loss-of-function variants in PHYH are known to be pathogenic (PMID: 9326940, 14974078). This variant is not present in population databases (gnomAD no frequency). This variant has not been reported in the literature in individuals affected with PHYH-related conditions. Algorithms developed to predict the effect of sequence changes on RNA splicing suggest that this variant may create or strengthen a splice site. For these reasons, this variant has been classified as Pathogenic.

Blueprint Genetics
Classification: Likely pathogenic for PHYH-related disorders. Last evaluated: 2022-07-11. Review status: criteria provided, single submitter. Criteria: ACMG Guidelines, 2015. Collection method: clinical testing. Allele origin: germline. Affected: yes. Observed: 2 variant alleles.

Literature cited by the submitters: PubMed 9326940 (cited by Labcorp Genetics (formerly Invitae), Labcorp); PubMed 14974078 (cited by Labcorp Genetics (formerly Invitae), Labcorp).

NM_006214.4(PHYH):c.709C>T (p.Gln237Ter)

Gene: PHYH (phytanoyl-CoA 2-hydroxylase; minus strand). Cytogenetic location: 10p13.
Variant type: single nucleotide variant.
Coding change: c.709C>T on transcript NM_006214.4 (MANE Select); coding-DNA position 709, C replaced by T.
Protein change: p.Gln237Ter; replaces glutamine 237 with a stop codon.
Molecular consequence: nonsense.
Genome position (GRCh38, 1-based): chr10:13,283,809, G>A on the plus strand (C>T on the coding strand, the complement: PHYH is on the minus strand). VCF-style: chr10-13283809-G-A. GRCh37 (hg19) VCF-style: chr10-13325809-G-A.
Other names: c.409C>T, p.Gln137Ter (NM_001037537.2, NM_001323080.2); c.715C>T, p.Gln239Ter (NM_001323082.2); c.445C>T, p.Gln149Ter (NM_001323083.2); c.415C>T, p.Gln139Ter (NM_001323084.2); short protein forms Q137*, Q149*, Q237*, Q139*, Q239*.
Identifiers: ClinVar variation 2817687 (VCV002817687.4), dbSNP rs1835477286, ClinGen allele CA376034405.